The following is an entry in ClinVar:

ClinVar aggregate classification (germline): Uncertain significance (1 of 4 stars; one submission).

Conditions:
COG5-congenital disorder of glycosylation. Also called: CDG IIi; CONGENITAL DISORDER OF GLYCOSYLATION, TYPE IIi; COG5-CDG. Identifiers: Orphanet 263487, MedGen C3150876, MONDO:0013325, OMIM 613612.

Allele frequency attached by ClinVar (database versions not stated): gnomAD exomes below 0.00001; gnomAD 0.00001; TOPMed 0.00001.
gnomAD v4.1: 5 of 1,604,124 alleles (0.00031%); highest among the groups gnomAD compares: African/African-American, 0.0027%; no homozygotes.

Submission:

Labcorp Genetics (formerly Invitae), Labcorp
Classification: Uncertain significance for COG5-congenital disorder of glycosylation. Last evaluated: 2021-09-01. Review status: criteria provided, single submitter. Criteria: Invitae Variant Classification Sherloc (09022015). Collection method: clinical testing. Allele origin: germline.
Comment: This sequence change replaces arginine with histidine at codon 804 of the COG5 protein (p.Arg804His). The arginine residue is highly conserved and there is a small physicochemical difference between arginine and histidine. This variant is not present in population databases (ExAC no frequency). This variant has not been reported in the literature in individuals affected with COG5-related conditions. Algorithms developed to predict the effect of missense changes on protein structure and function are either unavailable or do not agree on the potential impact of this missense change (SIFT: "Deleterious"; PolyPhen-2: "Probably Damaging"; Align-GVGD: "Class C0"). In summary, the available evidence is currently insufficient to determine the role of this variant in disease. Therefore, it has been classified as a Variant of Uncertain Significance.

NM_006348.5(COG5):c.2318G>A (p.Arg773His)

Gene: COG5 (component of oligomeric golgi complex 5; minus strand). Cytogenetic location: 7q22.3.
Variant type: single nucleotide variant.
Coding change: c.2318G>A on transcript NM_006348.5 (MANE Select); coding-DNA position 2318, G replaced by A.
Protein change: p.Arg773His; replaces arginine 773 with histidine.
Molecular consequence: missense variant. On other transcripts: intron variant (1).
Genome position (GRCh38, 1-based): chr7:107,210,583, C>T on the plus strand (G>A on the coding strand, the complement: COG5 is on the minus strand). VCF-style: chr7-107210583-C-T. GRCh37 (hg19) VCF-style: chr7-106851028-C-T.
Other names: c.2318G>A, p.Arg773His (NM_001161520.2); c.2156G>A, p.Arg719His (NM_001379511.1); c.2144G>A, p.Arg715His (NM_001379512.1); c.2003G>A, p.Arg668His (NM_001379514.1); c.1748G>A, p.Arg583His (NM_001379515.1); c.1604G>A, p.Arg535His (NM_001379516.1); c.2255G>A, p.Arg752His (NM_181733.4); c.2169-6953G>A (NM_001379513.1); short protein forms R583H, R535H, R668H, R719H, R752H, R715H, R773H.
Identifiers: ClinVar variation 1441247 (VCV001441247.5), dbSNP rs1221934619, ClinGen allele CA368839503.